The following is an entry in ClinVar:

ClinVar aggregate classification (germline): Uncertain significance (1 of 4 stars; one submission).

gnomAD v4.1: 2 of 1,613,862 alleles (0.00012%); highest among the groups gnomAD compares: East Asian, 0.0022%; no homozygotes.

Submission:

GeneDx
Classification: Uncertain significance. Last evaluated: 2024-06-05. Review status: criteria provided, single submitter. Criteria: GeneDx Variant Classification Process June 2021. Collection method: clinical testing. Allele origin: germline. Affected: yes.
Comment: Not observed at significant frequency in large population cohorts (gnomAD); In silico analysis suggests this variant may impact gene splicing. In the absence of RNA/functional studies, the actual effect of this sequence change is unknown.; Has not been previously published as pathogenic or benign to our knowledge

NM_014727.3(KMT2B):c.7743-6C>G

Gene: KMT2B (lysine methyltransferase 2B; plus strand). Cytogenetic location: 19q13.12.
Variant type: single nucleotide variant.
Coding change: c.7743-6C>G on transcript NM_014727.3 (MANE Select); 6 bases into the intron before coding-DNA position 7743, C replaced by G.
Molecular consequence: intron variant.
Genome position (GRCh38, 1-based): chr19:35,738,056, C>G. VCF-style: chr19-35738056-C-G. GRCh37 (hg19) VCF-style: chr19-36228957-C-G.
Identifiers: ClinVar variation 3384612 (VCV003384612.1).